The following is an entry in ClinVar:

NM_000138.5(FBN1):c.3951A>G (p.Lys1317=)

Gene: FBN1 (fibrillin 1; minus strand). Cytogenetic location: 15q21.1.
Variant type: single nucleotide variant.
Coding change: c.3951A>G on transcript NM_000138.5 (MANE Select); coding-DNA position 3951, A replaced by G.
Protein change: p.Lys1317=; no amino-acid change (lysine 1317 retained).
Molecular consequence: synonymous variant.
Genome position (GRCh38, 1-based): chr15:48,481,668, T>C on the plus strand (A>G on the coding strand, the complement: FBN1 is on the minus strand). VCF-style: chr15-48481668-T-C. GRCh37 (hg19) VCF-style: chr15-48773865-T-C.
Other names: c.3951A>G, p.Lys1317= (NM_001406716.1).
Identifiers: ClinVar variation 1736441 (VCV001736441.3), dbSNP rs2043466115, ClinGen allele CA490016082.

ClinVar aggregate classification (germline): Likely benign. Review status: criteria provided, multiple submitters, no conflicts (2 of 4 stars). 2 submissions from 2 submitters: Likely benign (2). Last evaluated 2024-02-22.

Conditions:
Familial thoracic aortic aneurysm and aortic dissection (TAAD). Also called: Thoracic aortic aneurysms and dissections. Identifiers: Orphanet 91387, MedGen C4707243, MONDO:0019625.
Marfan syndrome (MFS). Also called: Marfan's syndrome; Marfan syndrome, classic; MARFAN SYNDROME, TYPE I; Marfan syndrome type 1; FBN1-Related Marfan Syndrome. Identifiers: Orphanet 284963, Orphanet 558, MedGen C0024796, MONDO:0007947, OMIM 154700.

Allele frequency attached by ClinVar (database versions not stated): TOPMed below 0.00001; gnomAD exomes below 0.00001.
gnomAD v4.1: 1 of 1,613,850 alleles (0.000062%); highest among the groups gnomAD compares: African/African-American, 0.0013%; no homozygotes.

Submissions (2):

All of Us Research Program, National Institutes of Health
Classification: Likely benign for Marfan syndrome. Last evaluated: 2024-02-22. Review status: criteria provided, single submitter. Criteria: ACMG Guidelines, 2015. Collection method: clinical testing. Allele origin: germline. Inheritance: Autosomal dominant inheritance. Observed: 1 variant allele, 1 heterozygote.
Comment: This study involves interpretation of variants in research participants for the purpose of population health screening. Participant phenotype was not available at the time of variant classification. Additional details can be found in publication PMID: 35346344, PMCID: PMC8962531

Ambry Genetics
Classification: Likely benign for Familial thoracic aortic aneurysm and aortic dissection. Last evaluated: 2022-09-26. Review status: criteria provided, single submitter. Criteria: Ambry Variant Classification Scheme 2023. Collection method: clinical testing. Allele origin: germline.